The following is an entry in ClinVar:

ClinVar aggregate classification (germline): Likely benign. Review status: criteria provided, multiple submitters, no conflicts (2 of 4 stars). 2 submissions from 2 submitters: Likely benign (2). Last evaluated 2018-07-09.

Conditions:
Sideroblastic anemia 2. Also called: Anemia, sideroblastic, 2, pyridoxine-refractory. Identifiers: Orphanet 260305, MedGen C4225425, MONDO:0008785, OMIM 205950.

Allele frequency attached by ClinVar (database versions not stated): 1000 Genomes Project 0.00359; 1000 Genomes Project 30x 0.00359; TOPMed 0.00487.
gnomAD v4.1: 835 of 513,966 alleles (0.16%); highest among the groups gnomAD compares: African/African-American, 1.5%; 6 homozygotes.

Submissions (2):

GeneDx
Classification: Likely benign. Last evaluated: 2018-07-09. Review status: criteria provided, single submitter. Criteria: GeneDx Variant Classification Process June 2021. Collection method: clinical testing. Allele origin: germline. Affected: yes.

Illumina Laboratory Services, Illumina
Classification: Likely benign for Sideroblastic anemia 2. Last evaluated: 2018-01-12. Review status: criteria provided, single submitter. Criteria: ICSL Variant Classification Criteria 13 December 2019. Collection method: clinical testing. Allele origin: germline.
Comment: This variant was observed in the ICSL laboratory as part of a predisposition screen in an ostensibly healthy population. It had not been previously curated by ICSL or reported in the Human Gene Mutation Database (HGMD: prior to June 1st, 2018), and was therefore a candidate for classification through an automated scoring system. Utilizing variant allele frequency, disease prevalence and penetrance estimates, and inheritance mode, an automated score was calculated to assess if this variant is too frequent to cause the disease. Based on the score and internal cut-off values, a variant classified as likely benign is not then subjected to further curation. The score for this variant resulted in a classification of likely benign for this disease.

NM_017875.4(SLC25A38):c.-273G>A

Gene: SLC25A38 (solute carrier family 25 member 38; plus strand). Cytogenetic location: 3p22.1.
Variant type: single nucleotide variant.
Coding change: c.-273G>A on transcript NM_017875.4 (MANE Select); 273 bases upstream of the start codon, G replaced by A.
Molecular consequence: 5 prime UTR variant.
Genome position (GRCh38, 1-based): chr3:39,383,452, G>A. VCF-style: chr3-39383452-G-A. GRCh37 (hg19) VCF-style: chr3-39424943-G-A.
Other names: c.-273G>A (NM_001354798.2).
Identifiers: ClinVar variation 901070 (VCV000901070.6), dbSNP rs184769974, ClinGen allele CA73030282.
Genomic context (GRCh38, chr3:39,383,452, plus strand): 5'-CACCCCGGGATACACAGAACCTCATCTCCTACGGTGCTGAAGCCTGCAGCAGGGCAGGAT[G>A]GGCAGGAGAGCAGAGCCGCGGAGTCTGCGGCGCGGGTGAAGAGCGGCGCGTAATTCCCGC-3'